The following is an entry in ClinVar:

ClinVar aggregate classification (germline): Benign. Review status: criteria provided, single submitter (1 of 4 stars). 2 submissions from 2 submitters: Benign (1). 1 of the submissions does not count toward it. Last evaluated 2018-10-29.

Conditions:
8q24.3 microdeletion syndrome. Also called: CHROMOSOME 8q24.3 DELETION SYNDROME; Verheij syndrome. Identifiers: Orphanet 508488, MedGen C3810023, MONDO:0014263, OMIM 615583.
PUF60-related disorder. Also called: PUF60-related condition.

Allele frequency attached by ClinVar (database versions not stated): gnomAD exomes 0.00002; gnomAD 0.00004; TOPMed 0.00007.
gnomAD v4.1: 35 of 1,539,730 alleles (0.0023%); highest among the groups gnomAD compares: Middle Eastern, 0.023%; no homozygotes.

Submissions (2):

Centre for Mendelian Genomics, University Medical Centre Ljubljana
Classification: Benign for 8q24.3 microdeletion syndrome. Last evaluated: 2018-10-29. Review status: criteria provided, single submitter. Criteria: ACMG Guidelines, 2015. Collection method: clinical testing. Allele origin: unknown. Affected: yes.
Comment: This variant was classified as: Benign. The following ACMG criteria were applied in classifying this variant: BS1,BS2.

PreventionGenetics, part of Exact Sciences
Classification: Likely benign for PUF60-related condition. Last evaluated: 2019-12-05. Review status: no assertion criteria provided. Collection method: clinical testing. Allele origin: germline. Not counted in ClinVar's aggregate classification.
Comment: This variant is classified as likely benign based on ACMG/AMP sequence variant interpretation guidelines (Richards et al. 2015 PMID: 25741868, with internal and published modifications).

NM_078480.3(PUF60):c.297+9C>T

Gene: PUF60 (poly(U) binding splicing factor 60; minus strand). Cytogenetic location: 8q24.3.
Variant type: single nucleotide variant.
Coding change: c.297+9C>T on transcript NM_078480.3 (MANE Select); 9 bases into the intron after coding-DNA position 297, C replaced by T.
Molecular consequence: intron variant.
Genome position (GRCh38, 1-based): chr8:143,821,588, G>A on the plus strand (C>T on the coding strand, the complement: PUF60 is on the minus strand). VCF-style: chr8-143821588-G-A. GRCh37 (hg19) VCF-style: chr8-144903758-G-A.
Other names: c.210+9C>T (NM_001271097.2, NM_001271099.2); c.294+9C>T (NM_001271096.2, NM_001271098.2); c.297+9C>T (NM_014281.5); c.168+9C>T (NM_001271100.2, NM_001136033.3); c.408+9C>T (NM_001362897.2, NM_001362895.2, NM_001362896.2).
Identifiers: ClinVar variation 931222 (VCV000931222.5), dbSNP rs1028726810, ClinGen allele CA187617800.
Genomic context (GRCh38, chr8:143,821,588, plus strand): 5'-GAAGAGCGTGAAGAGGAGGAGATGGTGGCTGTGGTGGGGAGGGCGGTAGAGGCTCCGGCC[G>A]GGGCTCACCTGCAGGTTGGTGAGCTGCTGCTGCTGGTGCGCGATGGTCTGCTTCACCAGC-3'